The following is an entry in ClinVar:

NM_004304.5(ALK):c.3817del (p.Met1273fs)

Gene: ALK (ALK receptor tyrosine kinase; minus strand). Cytogenetic location: 2p23.2.
Variant type: Deletion.
Coding change: c.3817del on transcript NM_004304.5 (MANE Select); coding-DNA position 3817, one base deleted (A; older notation c.3817delA).
Protein change: p.Met1273fs; shifts the reading frame from methionine 1273.
Molecular consequence: frameshift variant.
Genome position (GRCh38, 1-based): chr2:29,209,805, T deleted on the plus strand (A on the coding strand, the reverse complement: ALK is on the minus strand). VCF-style (leftmost placement, unchanged base first): chr2-29209804-AT-A. GRCh37 (hg19) VCF-style: chr2-29432670-AT-A.
Other names: c.613del, p.Met205fs (NM_001353765.2); short protein forms M1273fs, M205fs.
Identifiers: ClinVar variation 1035582 (VCV001035582.7), dbSNP rs1669414764, ClinGen allele CA1241083935.

ClinVar aggregate classification (germline): Uncertain significance (1 of 4 stars; one submission).

Conditions:
Neuroblastoma, susceptibility to, 3. Also called: ALK-Related Neuroblastic Tumor Susceptibility. Identifiers: Orphanet 635, MedGen C2751681, MONDO:0013083, OMIM 613014.

Submission:

Labcorp Genetics (formerly Invitae), Labcorp
Classification: Uncertain significance for Neuroblastoma, susceptibility to, 3. Last evaluated: 2020-01-18. Review status: criteria provided, single submitter. Criteria: Invitae Variant Classification Sherloc (09022015). Collection method: clinical testing. Allele origin: germline.
Comment: This sequence change creates a premature translational stop signal (p.Met1273Trpfs*89) in the ALK gene. It is expected to result in an absent or disrupted protein product. This variant is not present in population databases (ExAC no frequency). This variant has not been reported in the literature in individuals with ALK-related conditions. The current clinical and genetic evidence is not sufficient to establish whether loss-of-function variants in ALK cause disease. In summary, the available evidence is currently insufficient to determine the role of this variant in disease. Therefore, it has been classified as a Variant of Uncertain Significance.